The following is an entry in ClinVar:

NM_001961.4(EEF2):c.838C>T (p.Pro280Ser)

Gene: EEF2 (eukaryotic translation elongation factor 2; minus strand). Cytogenetic location: 19p13.3.
Variant type: single nucleotide variant.
Coding change: c.838C>T on transcript NM_001961.4 (MANE Select); coding-DNA position 838, C replaced by T.
Protein change: p.Pro280Ser; replaces proline 280 with serine.
Molecular consequence: missense variant.
Genome position (GRCh38, 1-based): chr19:3,982,006, G>A on the plus strand (C>T on the coding strand, the complement: EEF2 is on the minus strand). VCF-style: chr19-3982006-G-A. GRCh37 (hg19) VCF-style: chr19-3982004-G-A.
Other names: short protein forms P280S.
Identifiers: ClinVar variation 1969612 (VCV001969612.5), dbSNP rs1001215525, ClinGen allele CA304443453.

ClinVar aggregate classification (germline): Uncertain significance (1 of 4 stars; one submission).

Submission:

Labcorp Genetics (formerly Invitae), Labcorp
Classification: Uncertain significance. Last evaluated: 2022-07-23. Review status: criteria provided, single submitter. Criteria: Invitae Variant Classification Sherloc (09022015). Collection method: clinical testing. Allele origin: germline.
Comment: This sequence change replaces proline, which is neutral and non-polar, with serine, which is neutral and polar, at codon 280 of the EEF2 protein (p.Pro280Ser). This variant is not present in population databases (gnomAD no frequency). This variant has not been reported in the literature in individuals affected with EEF2-related conditions. Algorithms developed to predict the effect of missense changes on protein structure and function (SIFT, PolyPhen-2, Align-GVGD) all suggest that this variant is likely to be tolerated. In summary, the available evidence is currently insufficient to determine the role of this variant in disease. Therefore, it has been classified as a Variant of Uncertain Significance.